The following is an entry in ClinVar:

ClinVar aggregate classification (germline): Likely benign. Review status: criteria provided, multiple submitters, no conflicts (2 of 4 stars). 3 submissions from 3 submitters: Likely benign (3). Last evaluated 2025-10-25.

Conditions:
Myopathy, centronuclear, 2 (CNM2). Also called: MYOTUBULAR MYOPATHY, AUTOSOMAL RECESSIVE. Identifiers: Orphanet 169186, MedGen CN031787, MONDO:0009709, OMIM 255200.

Allele frequency attached by ClinVar (database versions not stated): ExAC 0.00011; gnomAD exomes 0.00019 and 0.00026; TOPMed 0.00019; gnomAD 0.00021; ESP Exome Variant Server 0.00024.
gnomAD v4.1: 393 of 1,545,044 alleles (0.025%); highest among the groups gnomAD compares: Non-Finnish European, 0.032%; no homozygotes.

Submissions (3):

Labcorp Genetics (formerly Invitae), Labcorp
Classification: Likely benign for Myopathy, centronuclear, 2. Last evaluated: 2025-10-25. Review status: criteria provided, single submitter. Criteria: Invitae Variant Classification Sherloc (09022015). Collection method: clinical testing. Allele origin: germline.

Blueprint Genetics
Classification: Likely benign. Last evaluated: 2022-08-24. Review status: criteria provided, single submitter. Criteria: ACMG Guidelines, 2015. Collection method: clinical testing. Allele origin: germline.

GeneDx
Classification: Likely benign. Last evaluated: 2017-12-05. Review status: criteria provided, single submitter. Criteria: GeneDx Variant Classification (06012015). Collection method: clinical testing. Allele origin: germline. Affected: yes.
Comment: This variant is considered likely benign or benign based on one or more of the following criteria: it is a conservative change, it occurs at a poorly conserved position in the protein, it is predicted to be benign by multiple in silico algorithms, and/or has population frequency not consistent with disease.

NM_139343.3(BIN1):c.1131+7C>T

Gene: BIN1 (bridging integrator 1; minus strand). Cytogenetic location: 2q14.3.
Variant type: single nucleotide variant.
Coding change: c.1131+7C>T on transcript NM_139343.3 (MANE Select); 7 bases into the intron after coding-DNA position 1131, C replaced by T.
Molecular consequence: intron variant.
Genome position (GRCh38, 1-based): chr2:127,057,466, G>A on the plus strand (C>T on the coding strand, the complement: BIN1 is on the minus strand). VCF-style: chr2-127057466-G-A. GRCh37 (hg19) VCF-style: chr2-127815042-G-A.
Other names: c.1050+7C>T (NM_001320642.1); c.837+1545C>T (NM_001320634.1); c.909+1545C>T (NM_139351.3, NM_139350.3, NM_139349.3); c.1038+7C>T (NM_139348.3, NM_139347.3, NM_001320641.2); c.954+1545C>T (NM_001320632.2, NM_004305.4); c.1083+7C>T (NM_139346.3); c.1002+1545C>T (NM_001320633.2, NM_139345.3, NM_139344.3); c.1131+7C>T (NM_001320640.2).
Identifiers: ClinVar variation 387007 (VCV000387007.14), dbSNP rs376590911, ClinGen allele CA1857186.